The following is an entry in ClinVar:

NM_177438.3(DICER1):c.4756C>G (p.Leu1586Val)

Gene: DICER1 (dicer 1, ribonuclease III; minus strand). Cytogenetic location: 14q32.13.
Variant type: single nucleotide variant.
Coding change: c.4756C>G on transcript NM_177438.3 (MANE Select); coding-DNA position 4756, C replaced by G.
Protein change: p.Leu1586Val; replaces leucine 1586 with valine.
Molecular consequence: missense variant. On other transcripts: non-coding transcript variant (6).
Genome position (GRCh38, 1-based): chr14:95,096,164, G>C on the plus strand (C>G on the coding strand, the complement: DICER1 is on the minus strand). VCF-style: chr14-95096164-G-C. GRCh37 (hg19) VCF-style: chr14-95562501-G-C.
Other names: NC_000014.8:g.95562501G>C; c.4756C>G, p.Leu1586Val (NM_001195573.1, NM_001271282.3, NM_001291628.2 and 13 more transcripts); c.4474C>G, p.Leu1492Val (NM_001395686.1); c.4351C>G, p.Leu1451Val (NM_001395687.1, NM_001395688.1, NM_001395689.1 and 2 more transcripts); c.4189C>G, p.Leu1397Val (NM_001395691.1); c.3073C>G, p.Leu1025Val (NM_001395697.1); short protein forms L1397V, L1451V, L1025V, L1492V, L1586V.
Identifiers: ClinVar variation 1742864 (VCV001742864.3), dbSNP rs1595339704, ClinGen allele CA390867295.

ClinVar aggregate classification (germline): Uncertain significance (1 of 4 stars; one submission).

Conditions:
Hereditary cancer-predisposing syndrome. Also called: Hereditary Cancer Syndrome; Hereditary neoplastic syndrome; Neoplastic Syndromes, Hereditary; Tumor predisposition. Identifiers: Orphanet 140162, MedGen C0027672, MeSH D009386, MONDO:0015356.

Submissions (2):

Ambry Genetics
Classification: Uncertain significance for Hereditary cancer-predisposing syndrome. Last evaluated: 2021-11-24. Review status: criteria provided, single submitter. Criteria: Ambry Variant Classification Scheme 2023. Collection method: clinical testing. Allele origin: germline.
Comment: The p.L1586V variant (also known as c.4756C>G), located in coding exon 22 of the DICER1 gene, results from a C to G substitution at nucleotide position 4756. The leucine at codon 1586 is replaced by valine, an amino acid with highly similar properties. This amino acid position is highly conserved in available vertebrate species. In addition, this alteration is predicted to be deleterious by in silico analysis. Since supporting evidence is limited at this time, the clinical significance of this alteration remains unclear.

Dr. Peter K. Rogan Lab, Western University
No classification provided (evidence only). Condition: Ovarian serous cystadenocarcinoma. Review status: no classification provided. Collection method: in vitro. Allele origin: not applicable. Functional consequence: retained intron. Not counted in ClinVar's aggregate classification.